The following is an entry in ClinVar:

ClinVar aggregate classification (germline): Uncertain significance (1 of 4 stars; one submission).

Submission:

GeneDx
Classification: Uncertain significance. Last evaluated: 2025-08-19. Review status: criteria provided, single submitter. Criteria: GeneDx Variant Classification Process June 2021. Collection method: clinical testing. Allele origin: germline. Affected: yes.
Comment: Not observed at significant frequency in large population cohorts (gnomAD); In silico analysis supports a deleterious effect on splicing; Has not been previously published as pathogenic or benign to our knowledge

NM_002074.5(GNB1):c.917-2_918dup

Gene: GNB1 (G protein subunit beta 1; minus strand). Cytogenetic location: 1p36.33.
Variant type: Duplication.
Coding change: c.917-2_918dup on transcript NM_002074.5 (MANE Select); the canonical splice acceptor site of the intron before coding-DNA position 917 through coding-DNA position 918, 4 bases duplicated (AGGT; older notation c.917-2_918dupAGGT).
Molecular consequence: splice acceptor variant.
Genome position (GRCh38, 1-based): chr1:1,787,436-1,787,439, ACCT duplicated on the plus strand (AGGT on the coding strand, the reverse complement: GNB1 is on the minus strand). VCF-style (leftmost placement, unchanged base first): chr1-1787435-C-CACCT. GRCh37 (hg19) VCF-style: chr1-1718874-C-CACCT.
Other names: c.917-2_918dup (NM_001282539.2); c.617-2_618dup (NM_001282538.2).
Identifiers: ClinVar variation 4796643 (VCV004796643.1).
Genomic context (GRCh38, chr1:1,787,435, plus strand): 5'-CAGCCATGCCATCGTCAGTCACGCCCAGGCAGCTGACGCGGTTGTCATGCCCAGCCAAGA[C>CACCT]ACCTGGGAGCAAACAACAGCAGAATCACACCAAAGCCCAGAGGCATCGATCTCACCTGTG-3'